The following is an entry in ClinVar:

ClinVar aggregate classification (germline): Uncertain significance (1 of 4 stars; one submission).

Conditions:
Charcot-Marie-Tooth disease type 2. Also called: Charcot-Marie-Tooth type 2. Identifiers: Orphanet 64746, MedGen C0270914, MONDO:0018993.

Submission:

Labcorp Genetics (formerly Invitae), Labcorp
Classification: Uncertain significance for Charcot-Marie-Tooth disease type 2. Last evaluated: 2024-06-16. Review status: criteria provided, single submitter. Criteria: Invitae Variant Classification Sherloc (09022015). Collection method: clinical testing. Allele origin: germline.
Comment: This sequence change replaces valine, which is neutral and non-polar, with phenylalanine, which is neutral and non-polar, at codon 1003 of the KIF1B protein (p.Val1003Phe). This variant is not present in population databases (gnomAD no frequency). This variant has not been reported in the literature in individuals affected with KIF1B-related conditions. An algorithm developed to predict the effect of missense changes on protein structure and function (PolyPhen-2) suggests that this variant is likely to be tolerated. In summary, the available evidence is currently insufficient to determine the role of this variant in disease. Therefore, it has been classified as a Variant of Uncertain Significance.

NM_001365951.3(KIF1B):c.3145G>T (p.Val1049Phe)

Gene: KIF1B (kinesin family member 1B; plus strand). Cytogenetic location: 1p36.22.
Variant type: single nucleotide variant.
Coding change: c.3145G>T on transcript NM_001365951.3 (MANE Select); coding-DNA position 3145, G replaced by T.
Protein change: p.Val1049Phe; replaces valine 1049 with phenylalanine.
Molecular consequence: missense variant.
Genome position (GRCh38, 1-based): chr1:10,337,089, G>T. VCF-style: chr1-10337089-G-T. GRCh37 (hg19) VCF-style: chr1-10397147-G-T.
Other names: c.3145G>T, p.Val1049Phe (NM_001365952.1); c.3007G>T, p.Val1003Phe (NM_015074.3); short protein forms V1003F, V1049F.
Identifiers: ClinVar variation 3623306 (VCV003623306.2).